The following is an entry in ClinVar:

ClinVar aggregate classification (germline): Uncertain significance (1 of 4 stars; one submission).

Conditions:
Hereditary cancer-predisposing syndrome. Also called: Neoplastic Syndromes, Hereditary; Tumor predisposition; Hereditary neoplastic syndrome; Hereditary Cancer Syndrome. Identifiers: Orphanet 140162, MedGen C0027672, MeSH D009386, MONDO:0015356.

Submission:

Ambry Genetics
Classification: Uncertain significance for Hereditary cancer-predisposing syndrome. Last evaluated: 2026-07-06. Review status: criteria provided, single submitter. Criteria: Ambry Variant Classification Scheme 2023. Collection method: clinical testing. Allele origin: germline.
Comment: The p.R197L variant (also known as c.590G>T), located in coding exon 3 of the TMEM127 gene, results from a G to T substitution at nucleotide position 590. The arginine at codon 197 is replaced by leucine, an amino acid with dissimilar properties. This amino acid position is conserved. In addition, this alteration is predicted to be deleterious by in silico analysis. Based on the available evidence, the clinical significance of this variant remains unclear.

NM_017849.4(TMEM127):c.590G>T (p.Arg197Leu)

Gene: TMEM127 (transmembrane protein 127; minus strand). Cytogenetic location: 2q11.2.
Variant type: single nucleotide variant.
Coding change: c.590G>T on transcript NM_017849.4 (MANE Select); coding-DNA position 590, G replaced by T.
Protein change: p.Arg197Leu; replaces arginine 197 with leucine.
Molecular consequence: missense variant.
Genome position (GRCh38, 1-based): chr2:96,253,935, C>A on the plus strand (G>T on the coding strand, the complement: TMEM127 is on the minus strand). VCF-style: chr2-96253935-C-A. GRCh37 (hg19) VCF-style: chr2-96919673-C-A.
Other names: c.590G>T, p.Arg197Leu (NM_001193304.3); c.338G>T, p.Arg113Leu (NM_001407282.1, NM_001407283.1); short protein forms R197L, R113L.
Identifiers: ClinVar variation 5030900 (VCV005030900.1).